The following is an entry in ClinVar:

NM_000168.6(GLI3):c.*1296T>C

Gene: GLI3 (GLI family zinc finger 3; minus strand). Cytogenetic location: 7p14.1.
Variant type: single nucleotide variant.
Coding change: c.*1296T>C on transcript NM_000168.6 (MANE Select); 1296 bases downstream of the stop codon, T replaced by C.
Molecular consequence: 3 prime UTR variant.
Genome position (GRCh38, 1-based): chr7:41,963,034, A>G on the plus strand (T>C on the coding strand, the complement: GLI3 is on the minus strand). VCF-style: chr7-41963034-A-G. GRCh37 (hg19) VCF-style: chr7-42002632-A-G.
Identifiers: ClinVar variation 360191 (VCV000360191.5), dbSNP rs77126593, ClinGen allele CA10626085.

ClinVar aggregate classification (germline): Benign. Review status: criteria provided, single submitter (1 of 4 stars). 3 submissions from 1 submitter: Benign (3). Last evaluated 2018-01-13.

Conditions:
Pallister-Hall syndrome (PHS). Also called: HYPOTHALAMIC HAMARTOBLASTOMA, HYPOPITUITARISM, IMPERFORATE ANUS, AND POSTAXIAL POLYDACTYLY; GLI3-Related Pallister-Hall Syndrome. Identifiers: Orphanet 672, MedGen C0265220, MONDO:0007804, OMIM 146510.
Greig cephalopolysyndactyly syndrome (GCPS). Also called: POLYSYNDACTYLY WITH PECULIAR SKULL SHAPE; Greig syndrome; GLI3-Related Greig Cephalopolysyndactyly Syndrome. Identifiers: Orphanet 380, MedGen C0265306, MONDO:0008287, OMIM 175700.
Polydactyly. Also called: polydactylism. Identifiers: MedGen C0152427, MONDO:0021003, OMIM 603596, HP:0010442.

Allele frequency attached by ClinVar (database versions not stated): gnomAD 0.04147 and 0.04211; TOPMed 0.04412; 1000 Genomes Project 0.04433; 1000 Genomes Project 30x 0.04544.

Submissions (3):

Illumina Laboratory Services, Illumina
Classification: Benign for Greig cephalopolysyndactyly syndrome. Last evaluated: 2018-01-13. Review status: criteria provided, single submitter. Criteria: ICSL Variant Classification Criteria 13 December 2019. Collection method: clinical testing. Allele origin: germline.
Comment: This variant was observed in the ICSL laboratory as part of a predisposition screen in an ostensibly healthy population. It had not been previously curated by ICSL or reported in the Human Gene Mutation Database (HGMD: prior to June 1st, 2018), and was therefore a candidate for classification through an automated scoring system. Utilizing variant allele frequency, disease prevalence and penetrance estimates, and inheritance mode, an automated score was calculated to assess if this variant is too frequent to cause the disease. Based on the score and internal cut-off values, a variant classified as benign is not then subjected to further curation. The score for this variant resulted in a classification of benign for this disease.

Illumina Laboratory Services, Illumina
Classification: Benign for Polydactyly. Last evaluated: 2018-01-13. Review status: criteria provided, single submitter. Criteria: ICSL Variant Classification Criteria 13 December 2019. Collection method: clinical testing. Allele origin: germline.
Comment: the same text as in the submission from Illumina Laboratory Services, Illumina above.

Illumina Laboratory Services, Illumina
Classification: Benign for Pallister-Hall syndrome. Last evaluated: 2018-01-13. Review status: criteria provided, single submitter. Criteria: ICSL Variant Classification Criteria 13 December 2019. Collection method: clinical testing. Allele origin: germline.
Comment: the same text as in the submission from Illumina Laboratory Services, Illumina above.